The following is an entry in ClinVar:

ClinVar aggregate classification (germline): Uncertain significance. Review status: criteria provided, multiple submitters, no conflicts (2 of 4 stars). 2 submissions from 2 submitters: Uncertain significance (2). Last evaluated 2024-09-17.

Conditions:
HYPERHOMOCYSTEINEMIA, THROMBOTIC, CBS-RELATED. Identifiers: MedGen C3150344, OMIM 236200.

Submissions (2):

GeneDx
Classification: Uncertain significance. Last evaluated: 2024-09-17. Review status: criteria provided, single submitter. Criteria: GeneDx Variant Classification Process June 2021. Collection method: clinical testing. Allele origin: germline. Affected: yes.
Comment: Not observed at significant frequency in large population cohorts (gnomAD); In silico analysis indicates that this missense variant does not alter protein structure/function; Has not been previously published as pathogenic or benign to our knowledge

Labcorp Genetics (formerly Invitae), Labcorp
Classification: Uncertain significance for HYPERHOMOCYSTEINEMIA, THROMBOTIC, CBS-RELATED. Last evaluated: 2021-09-01. Review status: criteria provided, single submitter. Criteria: Invitae Variant Classification Sherloc (09022015). Collection method: clinical testing. Allele origin: germline.
Comment: This sequence change replaces threonine with alanine at codon 5 of the CBS protein (p.Thr5Ala). The threonine residue is weakly conserved and there is a small physicochemical difference between threonine and alanine. This variant is not present in population databases (ExAC no frequency). This variant has not been reported in the literature in individuals affected with CBS-related conditions. Algorithms developed to predict the effect of missense changes on protein structure and function (SIFT, PolyPhen-2, Align-GVGD) all suggest that this variant is likely to be tolerated. In summary, the available evidence is currently insufficient to determine the role of this variant in disease. Therefore, it has been classified as a Variant of Uncertain Significance.

NM_000071.3(CBS):c.13A>G (p.Thr5Ala)

Gene: CBS (cystathionine beta-synthase; minus strand). Cytogenetic location: 21q22.3.
Variant type: single nucleotide variant.
Coding change: c.13A>G on transcript NM_000071.3 (MANE Select); coding-DNA position 13, A replaced by G.
Protein change: p.Thr5Ala; replaces threonine 5 with alanine.
Molecular consequence: missense variant.
Genome position (GRCh38, 1-based): chr21:43,072,181, T>C on the plus strand (A>G on the coding strand, the complement: CBS is on the minus strand). VCF-style: chr21-43072181-T-C. GRCh37 (hg19) VCF-style: chr21-44492291-T-C.
Other names: c.13A>G, p.Thr5Ala (NM_001178008.3, NM_001178009.3, NM_001320298.2); c.13A>G (NM_000071.2); short protein forms T5A.
Identifiers: ClinVar variation 1429844 (VCV001429844.6), dbSNP rs2146429088, ClinGen allele CA410602621.
Genomic context (GRCh38, chr21:43,072,181, plus strand): 5'-TCGCCGAGTGTGGCCCTGAGCGGTGGGGGCAGCCTGTGGGCCCCACTTCTGCCTGGGGGG[T>C]CTCAGAAGGCATGCTGGGACCTGGCAAAGCAAGGAGAGAGGCGTCGGTTCAGGCTCGGAT-3'
Protein context (NP_000062.1, residues 1-15): MPSE[Thr5Ala]PQAEVGPTGC